The following is an entry in ClinVar:

ClinVar aggregate classification (germline): Uncertain significance (1 of 4 stars; one submission).

Submission:

Labcorp Genetics (formerly Invitae), Labcorp
Classification: Uncertain significance. Last evaluated: 2021-07-14. Review status: criteria provided, single submitter. Criteria: Invitae Variant Classification Sherloc (09022015). Collection method: clinical testing. Allele origin: germline.
Comment: In summary, the available evidence is currently insufficient to determine the role of this variant in disease. Therefore, it has been classified as a Variant of Uncertain Significance. Algorithms developed to predict the effect of missense changes on protein structure and function output the following: SIFT: "Tolerated"; PolyPhen-2: "Benign"; Align-GVGD: "Class C0". The serine amino acid residue is found in multiple mammalian species, which suggests that this missense change does not adversely affect protein function. This variant has not been reported in the literature in individuals affected with NSMCE3-related conditions. This variant is not present in population databases (ExAC no frequency). This sequence change replaces proline with serine at codon 124 of the NSMCE3 protein (p.Pro124Ser). The proline residue is moderately conserved and there is a moderate physicochemical difference between proline and serine.

NM_138704.4(NSMCE3):c.370C>T (p.Pro124Ser)

Genes: ENTREP2 (endosomal transmembrane epsin interactor 2; minus strand), NSMCE3 (NSE3 component of SMC5/6 complex; minus strand). Cytogenetic location: 15q13.1.
Variant type: single nucleotide variant.
Coding change: c.370C>T on transcript NM_138704.4 (MANE Select); coding-DNA position 370, C replaced by T.
Protein change: p.Pro124Ser; replaces proline 124 with serine.
Molecular consequence: missense variant. On other transcripts: intron variant (5).
Genome position (GRCh38, 1-based): chr15:29,269,336, G>A on the plus strand (C>T on the coding strand, the complement: NSMCE3 is on the minus strand). VCF-style: chr15-29269336-G-A. GRCh37 (hg19) VCF-style: chr15-29561540-G-A.
Other names: c.-12-16858C>T (NM_001387217.1, NM_001387215.1, NM_001387216.1); c.277-16858C>T (NM_001387214.1, NM_015307.2); short protein forms P124S.
Identifiers: ClinVar variation 1490402 (VCV001490402.8), dbSNP rs2043554750, ClinGen allele CA391484379.